The following is an entry in ClinVar:

NM_004859.4(CLTC):c.4442G>A (p.Arg1481Gln)

Genes: CLTC (clathrin heavy chain; plus strand), LOC125177523 (Sharpr-MPRA regulatory region 12460; plus strand). Cytogenetic location: 17q23.1.
Variant type: single nucleotide variant.
Coding change: c.4442G>A on transcript NM_004859.4 (MANE Select); coding-DNA position 4442, G replaced by A.
Protein change: p.Arg1481Gln; replaces arginine 1481 with glutamine.
Molecular consequence: missense variant.
Genome position (GRCh38, 1-based): chr17:59,685,063, G>A. VCF-style: chr17-59685063-G-A. GRCh37 (hg19) VCF-style: chr17-57762424-G-A.
Other names: c.4454G>A, p.Arg1485Gln (NM_001288653.2); short protein forms R1485Q, R1481Q.
Identifiers: ClinVar variation 3669937 (VCV003669937.2).

ClinVar aggregate classification (germline): Uncertain significance (1 of 4 stars; one submission).

gnomAD v4.1: 1 of 1,567,278 alleles (0.000064%); highest among the groups gnomAD compares: Non-Finnish European, 0.000087%; no homozygotes.

Submission:

Labcorp Genetics (formerly Invitae), Labcorp
Classification: Uncertain significance. Last evaluated: 2024-12-09. Review status: criteria provided, single submitter. Criteria: Invitae Variant Classification Sherloc (09022015). Collection method: clinical testing. Allele origin: germline.
Comment: This sequence change replaces arginine, which is basic and polar, with glutamine, which is neutral and polar, at codon 1485 of the CLTC protein (p.Arg1485Gln). This variant is not present in population databases (gnomAD no frequency). This variant has not been reported in the literature in individuals affected with CLTC-related conditions. Invitae Evidence Modeling of protein sequence and biophysical properties (such as structural, functional, and spatial information, amino acid conservation, physicochemical variation, residue mobility, and thermodynamic stability) indicates that this missense variant is not expected to disrupt CLTC protein function with a negative predictive value of 80%. In summary, the available evidence is currently insufficient to determine the role of this variant in disease. Therefore, it has been classified as a Variant of Uncertain Significance.